The following is an entry in ClinVar:

ClinVar aggregate classification (germline): Uncertain significance (1 of 4 stars; one submission).

Allele frequency attached by ClinVar (database versions not stated): ExAC 0.00001.
gnomAD v4.1: 5 of 1,614,014 alleles (0.00031%); highest among the groups gnomAD compares: Non-Finnish European, 0.00034%; no homozygotes.

Submission:

Labcorp Genetics (formerly Invitae), Labcorp
Classification: Uncertain significance. Last evaluated: 2022-02-22. Review status: criteria provided, single submitter. Criteria: Invitae Variant Classification Sherloc (09022015). Collection method: clinical testing. Allele origin: germline.
Comment: This sequence change replaces phenylalanine, which is neutral and non-polar, with leucine, which is neutral and non-polar, at codon 132 of the VPS11 protein (p.Phe132Leu). This variant is present in population databases (rs782371702, gnomAD 0.004%). This variant has not been reported in the literature in individuals affected with VPS11-related conditions. Experimental studies and prediction algorithms are not available or were not evaluated, and the functional significance of this variant is currently unknown. In summary, the available evidence is currently insufficient to determine the role of this variant in disease. Therefore, it has been classified as a Variant of Uncertain Significance.

NM_021729.6(VPS11):c.396C>G (p.Phe132Leu)

Gene: VPS11 (VPS11 core subunit of CORVET and HOPS complexes; plus strand). Cytogenetic location: 11q23.3.
Variant type: single nucleotide variant.
Coding change: c.396C>G on transcript NM_021729.6 (MANE Select); coding-DNA position 396, C replaced by G.
Protein change: p.Phe132Leu; replaces phenylalanine 132 with leucine.
Molecular consequence: missense variant. On other transcripts: non-coding transcript variant (7).
Genome position (GRCh38, 1-based): chr11:119,069,501, C>G. VCF-style: chr11-119069501-C-G. GRCh37 (hg19) VCF-style: chr11-118940211-C-G.
Other names: c.366C>G, p.Phe122Leu (NM_001290185.2); c.408C>G, p.Phe136Leu (NM_001378218.1); c.396C>G, p.Phe132Leu (NM_001378219.1, NM_001378220.1); c.378C>G, p.Phe126Leu (NM_001378221.1); short protein forms F136L, F122L, F126L, F132L.
Identifiers: ClinVar variation 2101938 (VCV002101938.1), dbSNP rs782371702, ClinGen allele CA6313189.